The following is an entry in ClinVar:

NM_004171.4(SLC1A2):c.1639G>A (p.Val547Ile)

Gene: SLC1A2 (solute carrier family 1 member 2; minus strand). Cytogenetic location: 11p13.
Variant type: single nucleotide variant.
Coding change: c.1639G>A on transcript NM_004171.4 (MANE Select); coding-DNA position 1639, G replaced by A.
Protein change: p.Val547Ile; replaces valine 547 with isoleucine.
Molecular consequence: missense variant.
Genome position (GRCh38, 1-based): chr11:35,265,541, C>T on the plus strand (G>A on the coding strand, the complement: SLC1A2 is on the minus strand). VCF-style: chr11-35265541-C-T. GRCh37 (hg19) VCF-style: chr11-35287088-C-T.
Other names: c.1612G>A, p.Val538Ile (NM_001195728.3, NM_001252652.2); short protein forms V538I, V547I.
Identifiers: ClinVar variation 2435979 (VCV002435979.4), dbSNP rs763488470, ClinGen allele CA5947037.

ClinVar aggregate classification (germline): Uncertain significance. Review status: criteria provided, multiple submitters, no conflicts (2 of 4 stars). 2 submissions from 2 submitters: Uncertain significance (2). Last evaluated 2025-11-28.

Conditions:
Developmental and epileptic encephalopathy, 41 (DEE41). Also called: Epileptic encephalopathy, early infantile, 41. Identifiers: MedGen C4310717, MONDO:0014916, OMIM 617105.

Allele frequency attached by ClinVar (database versions not stated): gnomAD exomes below 0.00001; TOPMed below 0.00001; ExAC 0.00001; gnomAD 0.00001.

Submissions (2):

Labcorp Genetics (formerly Invitae), Labcorp
Classification: Uncertain significance. Last evaluated: 2025-11-28. Review status: criteria provided, single submitter. Criteria: Invitae Variant Classification Sherloc (09022015). Collection method: clinical testing. Allele origin: germline.
Comment: This sequence change replaces valine, which is neutral and non-polar, with isoleucine, which is neutral and non-polar, at codon 547 of the SLC1A2 protein (p.Val547Ile). This variant is present in population databases (rs763488470, gnomAD 0.003%). This variant has not been reported in the literature in individuals affected with SLC1A2-related conditions. ClinVar contains an entry for this variant (Variation ID: 2435979). An algorithm developed to predict the effect of missense changes on protein structure and function outputs the following: PolyPhen-2: "Benign". The isoleucine amino acid residue is found in multiple mammalian species, which suggests that this missense change does not adversely affect protein function. In summary, the available evidence is currently insufficient to determine the role of this variant in disease. Therefore, it has been classified as a Variant of Uncertain Significance.

Revvity Omics, Revvity
Classification: Uncertain significance for Developmental and epileptic encephalopathy, 41. Last evaluated: 2022-11-30. Review status: criteria provided, single submitter. Criteria: ACMG Guidelines, 2015. Collection method: clinical testing. Allele origin: germline.